The following is an entry in ClinVar:

ClinVar aggregate classification (germline): Uncertain significance. Review status: criteria provided, multiple submitters, no conflicts (2 of 4 stars). 4 submissions from 4 submitters: Uncertain significance (4). Last evaluated 2024-01-14.

Conditions:
Long QT syndrome (LQTS). Identifiers: MedGen C0023976, MeSH D008133, MONDO:0002442. Disease mechanism: loss of function. Inheritance: Various modes of inheritance.
Cardiomyopathy (CMYO). Also called: Cardiomyopathies. Identifiers: Orphanet 167848, MedGen C0878544, MONDO:0004994, HP:0001638. Inheritance: Various modes of inheritance.
Cardiovascular phenotype. Identifiers: MedGen CN230736.
Hypertrophic cardiomyopathy 1 (CMH1). Also called: MYH7-Related Familial Hypertrophic Cardiomyopathy; Familial hypertrophic cardiomyopathy 1. Identifiers: MedGen C3495498, MONDO:0008647, OMIM 192600.

Allele frequency attached by ClinVar (database versions not stated): gnomAD exomes 0.00001.
gnomAD v4.1: 8 of 1,614,096 alleles (0.0005%); highest among the groups gnomAD compares: South Asian, 0.0022%; no homozygotes.

Submissions (4):

Labcorp Genetics (formerly Invitae), Labcorp
Classification: Uncertain significance for Long QT syndrome. Last evaluated: 2024-01-14. Review status: criteria provided, single submitter. Criteria: Invitae Variant Classification Sherloc (09022015). Collection method: clinical testing. Allele origin: germline.
Comment: This sequence change replaces glutamic acid, which is acidic and polar, with lysine, which is basic and polar, at codon 113 of the CAV3 protein (p.Glu113Lys). This variant is not present in population databases (gnomAD no frequency). This variant has not been reported in the literature in individuals affected with CAV3-related conditions. ClinVar contains an entry for this variant (Variation ID: 519482). An algorithm developed to predict the effect of missense changes on protein structure and function (PolyPhen-2) suggests that this variant is likely to be disruptive. In summary, the available evidence is currently insufficient to determine the role of this variant in disease. Therefore, it has been classified as a Variant of Uncertain Significance.

Human Genetics Bochum, Ruhr University Bochum
Classification: Uncertain significance for Hypertrophic cardiomyopathy 1. Last evaluated: 2023-05-12. Review status: criteria provided, single submitter. Criteria: ACMG Guidelines, 2015. Collection method: clinical testing. Allele origin: germline. Affected: yes.
Comment: ACMG criteria used to clasify this variant: PP3_MOD, PM2_SUP

Ambry Genetics
Classification: Uncertain significance for Cardiovascular phenotype. Last evaluated: 2017-07-13. Review status: criteria provided, single submitter. Criteria: Ambry Variant Classification Scheme 2023. Collection method: clinical testing. Allele origin: germline.
Comment: The p.E113K variant (also known as c.337G>A), located in coding exon 2 of the CAV3 gene, results from a G to A substitution at nucleotide position 337. The glutamic acid at codon 113 is replaced by lysine, an amino acid with similar properties. This amino acid position is highly conserved in available vertebrate species. In addition, this alteration is predicted to be deleterious by in silico analysis. Since supporting evidence is limited at this time, the clinical significance of this alteration remains unclear.

CHEO Genetics Diagnostic Laboratory, Children's Hospital of Eastern Ontario
Classification: Uncertain significance for Cardiomyopathy. Last evaluated: 2016-11-24. Review status: criteria provided, single submitter. Criteria: ACMG Guidelines, 2015. Collection method: clinical testing. Allele origin: germline. Study: Canadian Open Genetics Repository.

NM_033337.3(CAV3):c.337G>A (p.Glu113Lys)

Genes: CAV3 (caveolin 3; plus strand), OXTR (oxytocin receptor; minus strand). Cytogenetic location: 3p25.3.
Variant type: single nucleotide variant.
Coding change: c.337G>A on transcript NM_033337.3 (MANE Select); coding-DNA position 337, G replaced by A.
Protein change: p.Glu113Lys; replaces glutamic acid 113 with lysine.
Molecular consequence: missense variant.
Genome position (GRCh38, 1-based): chr3:8,745,748, G>A. VCF-style: chr3-8745748-G-A. GRCh37 (hg19) VCF-style: chr3-8787434-G-A.
Other names: c.337G>A, p.Glu113Lys (NM_001234.5); short protein forms E113K.
Identifiers: ClinVar variation 519482 (VCV000519482.13), dbSNP rs921802744, ClinGen allele CA69870547.
Genomic context (GRCh38, chr3:8,745,748, plus strand): 5'-GCCTGCATCTCCTTCTGCCACATCTGGGCGGTGGTGCCATGCATTAAGAGCTACCTGATC[G>A]AGATCCAGTGCATCAGCCACATCTACTCACTCTGCATCCGCACCTTCTGCAACCCACTCT-3'
Protein context (NP_203123.1, residues 103-123): VVPCIKSYLI[Glu113Lys]IQCISHIYSL